The following is an entry in ClinVar:

NM_001374736.1(DST):c.21233_21234insTTGGG (p.Arg7078fs)

Gene: DST (dystonin; minus strand). Cytogenetic location: 6p12.1.
Variant type: Insertion.
Coding change: c.21233_21234insTTGGG on transcript NM_001374736.1 (MANE Select); coding-DNA positions 21233 to 21234, TTGGG inserted.
Protein change: p.Arg7078fs; shifts the reading frame from arginine 7078.
Molecular consequence: frameshift variant.
Genome position: GRCh38 VCF-style: chr6-56482851-C-CCCCAA. GRCh37 (hg19) VCF-style: chr6-56347649-C-CCCCAA.
Other names: c.14876_14877insTTGGG, p.Arg4959fs (NM_001144769.5); c.14462_14463insTTGGG, p.Arg4821fs (NM_001144770.2); c.21233_21234insTTGGG, p.Arg7078fs (NM_001374722.1); c.20273_20274insTTGGG, p.Arg6758fs (NM_001374729.1); c.14015_14016insTTGGG, p.Arg4672fs (NM_001374730.1); c.21260_21261insTTGGG, p.Arg7087fs (NM_001374734.1); c.14342_14343insTTGGG, p.Arg4781fs (NM_001386100.1, NM_183380.4); c.13364_13365insTTGGG, p.Arg4455fs (NM_015548.5); short protein forms R4455fs, R4672fs, R4821fs, R4959fs, R7087fs, R4781fs, R6758fs, R7078fs.
Identifiers: ClinVar variation 2131520 (VCV002131520.4), dbSNP rs2533706650, ClinGen allele CA2580075567.

ClinVar aggregate classification (germline): Pathogenic (1 of 4 stars; one submission).

Conditions:
Hereditary sensory and autonomic neuropathy type 6. Also called: Neuropathy, hereditary sensory and autonomic, type VI; HSAN VI. Identifiers: Orphanet 314381, MedGen C3539003, MONDO:0013839, OMIM 614653.
Epidermolysis bullosa simplex 3, localized or generalized intermediate, with BP230 deficiency (EBS3). Also called: Epidermolysis bullosa simplex due to BP230 deficiency; Epidermolysis bullosa simplex, autosomal recessive 2. Identifiers: Orphanet 412181, MedGen C3809470, MONDO:0014180, OMIM 615425.

Submission:

Labcorp Genetics (formerly Invitae), Labcorp
Classification: Pathogenic for Epidermolysis bullosa simplex 3, localized or generalized intermediate, with BP230 deficiency; Hereditary sensory and autonomic neuropathy type 6. Last evaluated: 2022-04-28. Review status: criteria provided, single submitter. Criteria: Invitae Variant Classification Sherloc (09022015). Collection method: clinical testing. Allele origin: germline.
Comment: For these reasons, this variant has been classified as Pathogenic. This variant has not been reported in the literature in individuals affected with DST-related conditions. Information on the frequency of this variant in the gnomAD database is not available, as this variant may be reported differently in the database. This sequence change creates a premature translational stop signal (p.Arg4455Serfs*22) in the DST gene. It is expected to result in an absent or disrupted protein product. Loss-of-function variants in DST are known to be pathogenic (PMID: 22522446, 25059916, 30371979). The DST gene has multiple clinically relevant transcripts. This variant occurs in alternate transcript NM_015548.4, and corresponds to NM_001723.5:c.*132666_*132675delinsTTGGGAAGAA in the primary transcript.

Literature cited by the submitters: PubMed 22522446; PubMed 25059916; PubMed 30371979.